The following is an entry in ClinVar:

NM_015295.3(SMCHD1):c.3592G>A (p.Gly1198Arg)

Gene: SMCHD1 (structural maintenance of chromosomes flexible hinge domain containing 1; plus strand). Cytogenetic location: 18p11.32.
Variant type: single nucleotide variant.
Coding change: c.3592G>A on transcript NM_015295.3 (MANE Select); coding-DNA position 3592, G replaced by A.
Protein change: p.Gly1198Arg; replaces glycine 1198 with arginine.
Molecular consequence: missense variant.
Genome position (GRCh38, 1-based): chr18:2,740,780, G>A. VCF-style: chr18-2740780-G-A. GRCh37 (hg19) VCF-style: chr18-2740778-G-A.
Other names: short protein forms G1198R.
Identifiers: ClinVar variation 1507540 (VCV001507540.8), dbSNP rs2143548034, ClinGen allele CA401688756.

ClinVar aggregate classification (germline): Uncertain significance (1 of 4 stars; one submission).

Conditions:
Facioscapulohumeral muscular dystrophy 2 (FSHD2). Also called: MUSCULAR DYSTROPHY, FACIOSCAPULOHUMERAL, TYPE 1B; FACIOSCAPULOHUMERAL MUSCULAR DYSTROPHY 2, DIGENIC; FSHD2, DIGENIC. Identifiers: Orphanet 269, MedGen C1834671, MONDO:0008031, OMIM 158901.

Submission:

Labcorp Genetics (formerly Invitae), Labcorp
Classification: Uncertain significance for Facioscapulohumeral muscular dystrophy 2. Last evaluated: 2022-03-08. Review status: criteria provided, single submitter. Criteria: Invitae Variant Classification Sherloc (09022015). Collection method: clinical testing. Allele origin: germline.
Comment: In summary, the available evidence is currently insufficient to determine the role of this variant in disease. Therefore, it has been classified as a Variant of Uncertain Significance. Algorithms developed to predict the effect of sequence changes on RNA splicing suggest that this variant may disrupt the consensus splice site. Algorithms developed to predict the effect of missense changes on protein structure and function (SIFT, PolyPhen-2, Align-GVGD) all suggest that this variant is likely to be disruptive. This variant has not been reported in the literature in individuals affected with SMCHD1-related conditions. This variant is not present in population databases (gnomAD no frequency). This sequence change replaces glycine, which is neutral and non-polar, with arginine, which is basic and polar, at codon 1198 of the SMCHD1 protein (p.Gly1198Arg).